The following is an entry in ClinVar:

NM_003482.4(KMT2D):c.7173C>G (p.Pro2391=)

Gene: KMT2D (lysine methyltransferase 2D; minus strand). Cytogenetic location: 12q13.12.
Variant type: single nucleotide variant.
Coding change: c.7173C>G on transcript NM_003482.4 (MANE Select); coding-DNA position 7173, C replaced by G.
Protein change: p.Pro2391=; no amino-acid change (proline 2391 retained).
Molecular consequence: synonymous variant.
Genome position (GRCh38, 1-based): chr12:49,040,597, G>C on the plus strand (C>G on the coding strand, the complement: KMT2D is on the minus strand). VCF-style: chr12-49040597-G-C. GRCh37 (hg19) VCF-style: chr12-49434380-G-C.
Identifiers: ClinVar variation 2893289 (VCV002893289.4), dbSNP rs776835202, ClinGen allele CA479712225.
Genomic context (GRCh38, chr12:49,040,597, plus strand): 5'-CACTCGGGAGAAAGGGTCGGAGGGCAGTGAGCGAGGGGGCAGAGCACAGCAGCTCTCAGG[G>C]GGCGGAGGTTGGGGCCGAGGAGTCAATGGGGGCTGAGCATATGGGTCAGTGTAGGAGCCA-3'
Protein context (NP_003473.3, residues 2381-2401): PPLTPRPQPP[Pro2391=]PESCCALPPR

ClinVar aggregate classification (germline): Likely benign. Review status: criteria provided, multiple submitters, no conflicts (2 of 4 stars). 2 submissions from 2 submitters: Likely benign (2). Last evaluated 2025-03-22.

Conditions:
KMT2D-related disorder. Also called: KMT2D-Related Disorders.
Kabuki syndrome. Also called: NIIKAWA-KUROKI SYNDROME; Kabuki make-up syndrome. Identifiers: Orphanet 2322, MedGen C0796004, MONDO:0016512.

gnomAD v4.1: 2 of 1,613,556 alleles (0.00012%); highest among the groups gnomAD compares: Non-Finnish European, 0.00017%; no homozygotes.

Submissions (2):

PreventionGenetics, part of Exact Sciences
Classification: Likely benign for KMT2D-related condition. Last evaluated: 2025-03-22. Review status: criteria provided, single submitter. Criteria: ACMG Guidelines, 2015. Collection method: clinical testing. Allele origin: germline.
Comment: This variant is classified as likely benign based on ACMG/AMP sequence variant interpretation guidelines (Richards et al. 2015 PMID: 25741868, with internal and published modifications).

Labcorp Genetics (formerly Invitae), Labcorp
Classification: Likely benign for Kabuki syndrome. Last evaluated: 2024-02-23. Review status: criteria provided, single submitter. Criteria: Invitae Variant Classification Sherloc (09022015). Collection method: clinical testing. Allele origin: germline.